The following is an entry in ClinVar:

NM_001080449.3(DNA2):c.1400T>G (p.Met467Arg)

Gene: DNA2 (DNA replication helicase/nuclease 2; minus strand). Cytogenetic location: 10q21.3.
Variant type: single nucleotide variant.
Coding change: c.1400T>G on transcript NM_001080449.3 (MANE Select); coding-DNA position 1400, T replaced by G.
Protein change: p.Met467Arg; replaces methionine 467 with arginine.
Molecular consequence: missense variant. On other transcripts: non-coding transcript variant (1).
Genome position (GRCh38, 1-based): chr10:68,442,932, A>C on the plus strand (T>G on the coding strand, the complement: DNA2 is on the minus strand). VCF-style: chr10-68442932-A-C. GRCh37 (hg19) VCF-style: chr10-70202689-A-C.
Other names: short protein forms M467R.
Identifiers: ClinVar variation 4808643 (VCV004808643.1).

ClinVar aggregate classification (germline): Uncertain significance (1 of 4 stars; one submission).

Submission:

Labcorp Genetics (formerly Invitae), Labcorp
Classification: Uncertain significance. Last evaluated: 2026-01-08. Review status: criteria provided, single submitter. Criteria: Invitae Variant Classification Sherloc (09022015). Collection method: clinical testing. Allele origin: germline.
Comment: This sequence change replaces methionine, which is neutral and non-polar, with arginine, which is basic and polar, at codon 467 of the DNA2 protein (p.Met467Arg). This variant is not present in population databases (gnomAD no frequency). This variant has not been reported in the literature in individuals affected with DNA2-related conditions. Invitae Evidence Modeling of protein sequence and biophysical properties (such as structural, functional, and spatial information, amino acid conservation, physicochemical variation, residue mobility, and thermodynamic stability) indicates that this missense variant is not expected to disrupt DNA2 protein function with a negative predictive value of 80%. In summary, the available evidence is currently insufficient to determine the role of this variant in disease. Therefore, it has been classified as a Variant of Uncertain Significance.